The following is an entry in ClinVar:

ClinVar aggregate classification (germline): Benign (0 of 4 stars; one submission).

Conditions:
XIRP2-related disorder. Also called: XIRP2-related condition.

Allele frequency attached by ClinVar (database versions not stated): ESP Exome Variant Server 0.00017; gnomAD exomes 0.00057; gnomAD 0.00065; TOPMed 0.00090; ExAC 0.00146; 1000 Genomes Project 0.00260; 1000 Genomes Project 30x 0.00281.
gnomAD v4.1: 959 of 1,613,642 alleles (0.059%); highest among the groups gnomAD compares: East Asian, 1.8%; 5 homozygotes.

Submission:

PreventionGenetics, part of Exact Sciences
Classification: Benign for XIRP2-related condition. Last evaluated: 2019-05-16. Review status: no assertion criteria provided. Collection method: clinical testing. Allele origin: germline.
Comment: This variant is classified as benign based on ACMG/AMP sequence variant interpretation guidelines (Richards et al. 2015 PMID: 25741868, with internal and published modifications).

NM_152381.6(XIRP2):c.3001G>A (p.Val1001Ile)

Gene: XIRP2 (xin actin binding repeat containing 2; plus strand). Cytogenetic location: 2q24.3.
Variant type: single nucleotide variant.
Coding change: c.3001G>A on transcript NM_152381.6 (MANE Select); coding-DNA position 3001, G replaced by A.
Protein change: p.Val1001Ile; replaces valine 1001 with isoleucine.
Molecular consequence: missense variant. On other transcripts: intron variant (3).
Genome position (GRCh38, 1-based): chr2:167,244,393, G>A. VCF-style: chr2-167244393-G-A. GRCh37 (hg19) VCF-style: chr2-168100903-G-A.
Other names: c.2335G>A, p.Val779Ile (NM_001199144.2); c.1275+2483G>A (NM_001199143.2); c.1176+2483G>A (NM_001079810.4); c.510+2483G>A (NM_001199145.2); short protein forms V1001I, V779I.
Identifiers: ClinVar variation 3037902 (VCV003037902.2), dbSNP rs74494873, ClinGen allele CA1946765.
Genomic context (GRCh38, chr2:167,244,393, plus strand): 5'-TCTCTCTTCGAGACAACACCACTGTATGCCATTCAAGATCCCCTTGGAAAATATCATCAA[G>A]TAAAGACAGTCCAGCAAGAAGAAATCGTAAGAGGTGATGTAAGAAGCTGTAGGTGGCTTT-3'
Protein context (NP_689594.4, residues 991-1011): IQDPLGKYHQ[Val1001Ile]KTVQQEEIVR